The following is an entry in ClinVar:

ClinVar aggregate classification (germline): Uncertain significance (1 of 4 stars; one submission).

Conditions:
Leber congenital amaurosis 4 (LCA4). Identifiers: MedGen C1858386, MONDO:0011458, OMIM 604393.

Submission:

Labcorp Genetics (formerly Invitae), Labcorp
Classification: Uncertain significance for Leber congenital amaurosis 4. Last evaluated: 2023-08-10. Review status: criteria provided, single submitter. Criteria: Invitae Variant Classification Sherloc (09022015). Collection method: clinical testing. Allele origin: germline.
Comment: This sequence change replaces serine, which is neutral and polar, with phenylalanine, which is neutral and non-polar, at codon 198 of the AIPL1 protein (p.Ser198Phe). This variant is not present in population databases (gnomAD no frequency). This missense change has been observed in individual(s) with Leber congenital amaurosis (PMID: 22412862). ClinVar contains an entry for this variant (Variation ID: 1461961). Advanced modeling of protein sequence and biophysical properties (such as structural, functional, and spatial information, amino acid conservation, physicochemical variation, residue mobility, and thermodynamic stability) performed at Invitae indicates that this missense variant is not expected to disrupt AIPL1 protein function. Experimental studies have shown that this missense change affects AIPL1 function (PMID: 33067476). In summary, the available evidence is currently insufficient to determine the role of this variant in disease. Therefore, it has been classified as a Variant of Uncertain Significance.

Literature cited by the submitters: PubMed 22412862; PubMed 33067476.

NM_014336.5(AIPL1):c.593C>T (p.Ser198Phe)

Gene: AIPL1 (AIP like 1 HSP90 co-chaperone; minus strand). Cytogenetic location: 17p13.2.
Variant type: single nucleotide variant.
Coding change: c.593C>T on transcript NM_014336.5 (MANE Select); coding-DNA position 593, C replaced by T.
Protein change: p.Ser198Phe; replaces serine 198 with phenylalanine.
Molecular consequence: missense variant.
Genome position (GRCh38, 1-based): chr17:6,426,930, G>A on the plus strand (C>T on the coding strand, the complement: AIPL1 is on the minus strand). VCF-style: chr17-6426930-G-A. GRCh37 (hg19) VCF-style: chr17-6330250-G-A.
Other names: c.404C>T, p.Ser135Phe (NM_001033054.3); c.413C>T, p.Ser138Phe (NM_001033055.3); c.557C>T, p.Ser186Phe (NM_001285399.3); c.527C>T, p.Ser176Phe (NM_001285400.3); c.593C>T, p.Ser198Phe (NM_001285401.3); c.476C>T, p.Ser159Phe (NM_001285402.2); c.569C>T, p.Ser190Phe (NM_001285403.4); short protein forms S159F, S176F, S198F, S135F, S138F, S186F, S190F.
Identifiers: ClinVar variation 1461961 (VCV001461961.6), dbSNP rs2150677613, ClinGen allele CA397395433.